The following is an entry in ClinVar:

NM_001261826.3(AP3D1):c.2792C>T (p.Ser931Phe)

Gene: AP3D1 (adaptor related protein complex 3 subunit delta 1; minus strand). Cytogenetic location: 19p13.3.
Variant type: single nucleotide variant.
Coding change: c.2792C>T on transcript NM_001261826.3 (MANE Select); coding-DNA position 2792, C replaced by T.
Protein change: p.Ser931Phe; replaces serine 931 with phenylalanine.
Molecular consequence: missense variant.
Genome position (GRCh38, 1-based): chr19:2,111,824, G>A on the plus strand (C>T on the coding strand, the complement: AP3D1 is on the minus strand). VCF-style: chr19-2111824-G-A. GRCh37 (hg19) VCF-style: chr19-2111823-G-A.
Other names: c.2756C>T, p.Ser919Phe (NM_001374799.1); c.2606C>T, p.Ser869Phe (NM_003938.8); short protein forms S869F, S931F, S919F.
Identifiers: ClinVar variation 3637432 (VCV003637432.2).

ClinVar aggregate classification (germline): Uncertain significance (1 of 4 stars; one submission).

gnomAD v4.1: 8 of 1,613,798 alleles (0.0005%); highest among the groups gnomAD compares: Non-Finnish European, 0.00068%; no homozygotes.

Submission:

Labcorp Genetics (formerly Invitae), Labcorp
Classification: Uncertain significance. Last evaluated: 2024-03-05. Review status: criteria provided, single submitter. Criteria: Invitae Variant Classification Sherloc (09022015). Collection method: clinical testing. Allele origin: germline.
Comment: This sequence change replaces serine, which is neutral and polar, with phenylalanine, which is neutral and non-polar, at codon 931 of the AP3D1 protein (p.Ser931Phe). This variant is not present in population databases (gnomAD no frequency). This variant has not been reported in the literature in individuals affected with AP3D1-related conditions. An algorithm developed to predict the effect of missense changes on protein structure and function (PolyPhen-2) suggests that this variant is likely to be tolerated. In summary, the available evidence is currently insufficient to determine the role of this variant in disease. Therefore, it has been classified as a Variant of Uncertain Significance.